The following is an entry in ClinVar:

NM_000128.4(F11):c.1178C>G (p.Ala393Gly)

Gene: F11 (coagulation factor XI; plus strand). Cytogenetic location: 4q35.2.
Variant type: single nucleotide variant.
Coding change: c.1178C>G on transcript NM_000128.4 (MANE Select); coding-DNA position 1178, C replaced by G.
Protein change: p.Ala393Gly; replaces alanine 393 with glycine.
Molecular consequence: missense variant.
Genome position (GRCh38, 1-based): chr4:186,284,134, C>G. VCF-style: chr4-186284134-C-G. GRCh37 (hg19) VCF-style: chr4-187205288-C-G.
Other names: c.1130C>G, p.Ala377Gly (NM_001440590.1, NM_001440596.1); c.1178C>G, p.Ala393Gly (NM_001440593.1); c.908C>G, p.Ala303Gly (NM_001440605.1, NM_001440607.1); c.860C>G, p.Ala287Gly (NM_001440606.1, NM_001440608.1); short protein forms A287G, A377G, A303G, A393G.
Identifiers: ClinVar variation 5004914 (VCV005004914.1).

ClinVar aggregate classification (germline): Uncertain significance (1 of 4 stars; one submission).

Conditions:
Hereditary factor XI deficiency disease. Also called: PLASMA THROMBOPLASTIN ANTECEDENT DEFICIENCY; PTA DEFICIENCY; ROSENTHAL SYNDROME; Congenital factor XI deficiency. Identifiers: Orphanet 329, MedGen C0015523, MeSH D005173, MONDO:0012897, OMIM 612416.

gnomAD v4.1: 1 of 1,614,198 alleles (0.000062%); highest among the groups gnomAD compares: Admixed American, 0.0017%; no homozygotes.

Submission:

Myriad Genetics, Inc.
Classification: Uncertain significance for Hereditary factor XI deficiency disease. Last evaluated: 2025-11-13. Review status: criteria provided, single submitter. Criteria: Myriad Autosomal Dominant, Autosomal Recessive and X-Linked Classification Criteria (2023). Collection method: clinical testing. Allele origin: unknown.
Comment: NM_000128.3(F11):c.1178C>G(A393G) is a missense variant classified as a variant of uncertain significance in the context of factor XI deficiency. A393G has been observed in a case with relevant disease (PMID: 38387429). Relevant functional assessments of this variant are not available in the literature. A393G has been observed in referenced population frequency databases. In summary, there is insufficient evidence to classify NM_000128.3(F11):c.1178C>G(A393G) as pathogenic or benign. Please note: this variant was assessed in the context of healthy population screening.

Literature cited by the submitters: PubMed 38387429.